The following is an entry in ClinVar:

ClinVar aggregate classification (germline): Uncertain significance (1 of 4 stars; one submission).

Conditions:
Cardiomyopathy (CMYO). Also called: Cardiomyopathies. Identifiers: Orphanet 167848, MedGen C0878544, MONDO:0004994, HP:0001638. Inheritance: Various modes of inheritance.

Submission:

Color Diagnostics, LLC DBA Color Health
Classification: Uncertain significance for Cardiomyopathy. Last evaluated: 2025-05-12. Review status: criteria provided, single submitter. Criteria: ACMG Guidelines, 2015. Collection method: clinical testing. Allele origin: germline.
Comment: This missense variant replaces aspartic acid with tyrosine at codon 1659 of the MYH7 protein. Computational prediction suggests that this variant may have deleterious impact on protein structure and function. To our knowledge, functional studies have not been reported for this variant. This variant has not been reported in individuals affected with MYH7-related disorders in the literature. This variant has not been identified in the general population by the Genome Aggregation Database (gnomAD). The available evidence is insufficient to determine the role of this variant in disease conclusively. Therefore, this variant is classified as a Variant of Uncertain Significance.

NM_000257.4(MYH7):c.4975G>T (p.Asp1659Tyr)

Genes: MHRT (myosin heavy chain associated RNA transcript; plus strand), MYH7 (myosin heavy chain 7; minus strand), LOC126861897 (BRD4-independent group 4 enhancer GRCh37_chr14:23884455-23885654; plus strand). Cytogenetic location: 14q11.2.
Variant type: single nucleotide variant.
Coding change: c.4975G>T on transcript NM_000257.4 (MANE Select); coding-DNA position 4975, G replaced by T.
Protein change: p.Asp1659Tyr; replaces aspartic acid 1659 with tyrosine.
Molecular consequence: missense variant. On other transcripts: non-coding transcript variant (1).
Genome position (GRCh38, 1-based): chr14:23,415,811, C>A on the plus strand (G>T on the coding strand, the complement: MYH7 is on the minus strand). VCF-style: chr14-23415811-C-A. GRCh37 (hg19) VCF-style: chr14-23885020-C-A.
Other names: c.4975G>T, p.Asp1659Tyr (NM_001407004.1); short protein forms D1659Y.
Identifiers: ClinVar variation 4756785 (VCV004756785.1).